The following is an entry in ClinVar:

ClinVar aggregate classification (germline): Uncertain significance (1 of 4 stars; one submission).

gnomAD v4.1: 3 of 1,613,866 alleles (0.00019%); highest among the groups gnomAD compares: East Asian, 0.0022%; no homozygotes.

Submission:

GeneDx
Classification: Uncertain significance. Last evaluated: 2026-02-03. Review status: criteria provided, single submitter. Criteria: GeneDx Variant Classification Process June 2021. Collection method: clinical testing. Allele origin: germline.
Comment: Not observed at significant frequency in large population cohorts (gnomAD); In silico analysis supports that this missense variant has a deleterious effect on protein structure/function; Has not been previously published as pathogenic or benign to our knowledge

NM_152564.5(VPS13B):c.4673T>C (p.Ile1558Thr)

Gene: VPS13B (vacuolar protein sorting 13 homolog B; plus strand). Cytogenetic location: 8q22.2.
Variant type: single nucleotide variant.
Coding change: c.4673T>C on transcript NM_152564.5 (MANE Select); coding-DNA position 4673, T replaced by C.
Protein change: p.Ile1558Thr; replaces isoleucine 1558 with threonine.
Molecular consequence: missense variant.
Genome position (GRCh38, 1-based): chr8:99,520,938, T>C. VCF-style: chr8-99520938-T-C. GRCh37 (hg19) VCF-style: chr8-100533166-T-C.
Other names: c.4748T>C, p.Ile1583Thr (NM_017890.5); short protein forms I1558T, I1583T.
Identifiers: ClinVar variation 4976177 (VCV004976177.1).